The following is an entry in ClinVar:

ClinVar aggregate classification (germline): Conflicting classifications of pathogenicity. Review status: criteria provided, conflicting classifications (1 of 4 stars). 9 submissions from 9 submitters: Uncertain significance (1); Benign (1); Likely benign (6). 1 of the submissions does not count toward it. Last evaluated 2026-01-14.

Conditions:
Hereditary cancer-predisposing syndrome. Also called: Tumor predisposition; Hereditary Cancer Syndrome; Hereditary neoplastic syndrome; Neoplastic Syndromes, Hereditary. Identifiers: Orphanet 140162, MedGen C0027672, MeSH D009386, MONDO:0015356.
Mismatch repair cancer syndrome 3. Identifiers: MedGen C5436807, MONDO:0030841, OMIM 619097.
Lynch syndrome 5 (LYNCH5). Also called: Hereditary non-polyposis colorectal cancer, type 5; Colorectal cancer, hereditary nonpolyposis, type 5. Identifiers: Orphanet 144, MedGen C1833477, MONDO:0013710, OMIM 614350. Disease mechanism: loss of function.
Endometrial carcinoma. Also called: Endometrial carcinoma, somatic. Identifiers: MedGen C0476089, MONDO:0002447, OMIM 608089, HP:0012114.
Hereditary nonpolyposis colorectal neoplasms. Identifiers: MedGen C0009405, MeSH D003123.

Allele frequency attached by ClinVar (database versions not stated): 1000 Genomes Project 30x 0.00016.
gnomAD v4.1: 98 of 1,609,350 alleles (0.0061%); highest among the groups gnomAD compares: South Asian, 0.1%; no homozygotes.

Submissions (9):

Labcorp Genetics (formerly Invitae), Labcorp
Classification: Likely benign for Hereditary nonpolyposis colorectal neoplasms. Last evaluated: 2026-01-14. Review status: criteria provided, single submitter. Criteria: Invitae Variant Classification Sherloc (09022015). Collection method: clinical testing. Allele origin: germline.

Quest Diagnostics Nichols Institute San Juan Capistrano
Classification: Likely benign. Last evaluated: 2025-04-23. Review status: criteria provided, single submitter. Criteria: Quest Diagnostics criteria. Collection method: clinical testing. Allele origin: unknown.

Color Diagnostics, LLC DBA Color Health
Classification: Benign for Hereditary cancer-predisposing syndrome. Last evaluated: 2024-10-10. Review status: criteria provided, single submitter. Criteria: ACMG Guidelines, 2015. Collection method: clinical testing. Allele origin: germline.

Department of Pathology and Laboratory Medicine, Sinai Health System
Classification: Likely benign for Endometrial carcinoma; Lynch syndrome 5; Mismatch repair cancer syndrome 3. Last evaluated: 2024-02-29. Review status: criteria provided, single submitter. Criteria: ACMG Guidelines, 2015. Collection method: clinical testing. Allele origin: germline. Affected: no.

Myriad Genetics, Inc.
Classification: Uncertain significance for Lynch syndrome 5. Last evaluated: 2023-03-27. Review status: criteria provided, single submitter. Criteria: Myriad Autosomal Dominant, Autosomal Recessive and X-Linked Classification Criteria (2023). Collection method: clinical testing. Allele origin: unknown.
Comment: This variant is classified as a variant of uncertain significance as there is insufficient evidence to determine its impact on protein function and/or cancer risk.

Women's Health and Genetics/Laboratory Corporation of America, LabCorp
Classification: Likely benign. Last evaluated: 2021-04-04. Review status: criteria provided, single submitter. Criteria: LabCorp Variant Classification Summary - May 2015. Collection method: clinical testing. Allele origin: germline.
Comment: Variant summary: MSH6 c.115G>C (p.Gly39Arg) results in a non-conservative amino acid change in the encoded protein sequence. Four of five in-silico tools predict a benign effect of the variant on protein function. The variant allele was found at a frequency of 0.00011 in 232766 control chromosomes, predominantly at a frequency of 0.00087 within the South Asian subpopulation in the gnomAD database. The observed variant frequency within South Asian control individuals in the gnomAD database is approximately 6 fold of the estimated maximal expected allele frequency for a pathogenic variant in MSH6 causing Lynch Syndrome phenotype (0.00014), strongly suggesting that the variant is a benign polymorphism found primarily in populations of South Asian origin. To our knowledge, no occurrence of c.115G>C in individuals affected with Lynch Syndrome and no experimental evidence demonstrating its impact on protein function have been reported. Five clinical diagnostic laboratories have submitted clinical-significance assessments for this variant to ClinVar after 2014 without evidence for independent evaluation. Multiple laboratories reported the variant with conflicting assessments (likely benign, n=3; VUS, n=2). Based on the evidence outlined above, the variant was classified as likely benign.

Ambry Genetics
Classification: Likely benign for Hereditary cancer-predisposing syndrome. Last evaluated: 2019-02-25. Review status: criteria provided, single submitter. Criteria: Ambry Variant Classification Scheme 2023. Collection method: clinical testing. Allele origin: germline.

GeneDx
Classification: Likely benign. Last evaluated: 2018-03-27. Review status: criteria provided, single submitter. Criteria: GeneDx Variant Classification Process June 2021. Collection method: clinical testing. Allele origin: germline. Affected: yes.

Counsyl
Classification: Uncertain significance for Lynch syndrome 5. Last evaluated: 2018-02-14. Review status: no assertion criteria provided. Collection method: clinical testing. Allele origin: unknown. Not counted in ClinVar's aggregate classification.

NM_000179.3(MSH6):c.115G>C (p.Gly39Arg)

Gene: MSH6 (mutS homolog 6; plus strand). Cytogenetic location: 2p16.3.
Variant type: single nucleotide variant.
Coding change: c.115G>C on transcript NM_000179.3 (MANE Select); coding-DNA position 115, G replaced by C.
Protein change: p.Gly39Arg; replaces glycine 39 with arginine.
Molecular consequence: missense variant. On other transcripts: 5 prime UTR variant (1).
Genome position (GRCh38, 1-based): chr2:47,783,348, G>C. VCF-style: chr2-47783348-G-C. GRCh37 (hg19) VCF-style: chr2-48010487-G-C.
Other names: c.115G>C, p.Gly39Arg (NM_001281492.2); c.-622G>C (NM_001281493.2); short protein forms G39R.
Identifiers: ClinVar variation 410476 (VCV000410476.25), dbSNP rs751838296, ClinGen allele CA067226.